The following is an entry in ClinVar:

NM_005070.4(SLC4A3):c.1707C>T (p.His569=)

Gene: SLC4A3 (solute carrier family 4 member 3; plus strand). Cytogenetic location: 2q35.
Variant type: single nucleotide variant.
Coding change: c.1707C>T on transcript NM_005070.4 (MANE Select); coding-DNA position 1707, C replaced by T.
Protein change: p.His569=; no amino-acid change (histidine 569 retained).
Molecular consequence: synonymous variant. On other transcripts: non-coding transcript variant (1).
Genome position (GRCh38, 1-based): chr2:219,634,565, C>T. VCF-style: chr2-219634565-C-T. GRCh37 (hg19) VCF-style: chr2-220499287-C-T.
Other names: p.His596=; c.1788C>T, p.His596= (NM_001326559.2, NM_201574.3); c.1707C>T, p.His569= (NM_001438863.1); c.1113C>T, p.His371= (NM_001438864.1); c.1788C>T (NM_201574.2).
Identifiers: ClinVar variation 4076456 (VCV004076456.2), dbSNP rs144951762.

ClinVar aggregate classification (germline): Likely benign. Review status: criteria provided, multiple submitters, no conflicts (2 of 4 stars). 2 submissions from 2 submitters: Likely benign (2). Last evaluated 2025-08-08.

gnomAD v4.1: 857 of 1,614,230 alleles (0.053%); highest among the groups gnomAD compares: Admixed American, 0.14%; no homozygotes.

Submissions (2):

Mayo Clinic Laboratories, Mayo Clinic
Classification: Likely benign. Last evaluated: 2025-08-08. Review status: criteria provided, single submitter. Criteria: ACMG Guidelines, 2015. Collection method: clinical testing. Allele origin: germline. Observed: 1 variant allele.
Comment: BS1, BP4, BP7

Molecular Diagnostic Laboratory for Inherited Cardiovascular Disease, Montreal Heart Institute
Classification: Likely benign. Last evaluated: 2025-07-24. Review status: criteria provided, single submitter. Criteria: ACMG Guidelines, 2015. Collection method: clinical testing. Allele origin: germline. Affected: no.
Comment: BS1;BP7